The following is an entry in ClinVar:

NM_001194998.2(CEP152):c.4384C>G (p.Pro1462Ala)

Gene: CEP152 (centrosomal protein 152; minus strand). Cytogenetic location: 15q21.1.
Variant type: single nucleotide variant.
Coding change: c.4384C>G on transcript NM_001194998.2 (MANE Select); coding-DNA position 4384, C replaced by G.
Protein change: p.Pro1462Ala; replaces proline 1462 with alanine.
Molecular consequence: missense variant.
Genome position (GRCh38, 1-based): chr15:48,738,998, G>C on the plus strand (C>G on the coding strand, the complement: CEP152 is on the minus strand). VCF-style: chr15-48738998-G-C. GRCh37 (hg19) VCF-style: chr15-49031195-G-C.
Other names: c.4216C>G, p.Pro1406Ala (NM_014985.4); short protein forms P1462A, P1406A.
Identifiers: ClinVar variation 4723727 (VCV004723727.1).

ClinVar aggregate classification (germline): Uncertain significance (1 of 4 stars; one submission).

gnomAD v4.1: 2 of 1,614,060 alleles (0.00012%); highest among the groups gnomAD compares: Non-Finnish European, 0.000085%; no homozygotes.

Submission:

Labcorp Genetics (formerly Invitae), Labcorp
Classification: Uncertain significance. Last evaluated: 2025-12-17. Review status: criteria provided, single submitter. Criteria: Invitae Variant Classification Sherloc (09022015). Collection method: clinical testing. Allele origin: germline.
Comment: This sequence change replaces proline, which is neutral and non-polar, with alanine, which is neutral and non-polar, at codon 1406 of the CEP152 protein (p.Pro1406Ala). This variant is not present in population databases (gnomAD no frequency). This variant has not been reported in the literature in individuals affected with CEP152-related conditions. An algorithm developed to predict the effect of missense changes on protein structure and function (PolyPhen-2) suggests that this variant is likely to be tolerated. In summary, the available evidence is currently insufficient to determine the role of this variant in disease. Therefore, it has been classified as a Variant of Uncertain Significance.